The following is an entry in ClinVar:

ClinVar aggregate classification (germline): Likely benign (1 of 4 stars; one submission).

Submission:

Laboratory for Molecular Medicine, Mass General Brigham Personalized Medicine
Classification: Likely benign. Last evaluated: 2015-09-01. Review status: criteria provided, single submitter. Criteria: LMM Criteria. Collection method: clinical testing. Allele origin: germline. Observed: 1 variant allele.
Comment: proposed classification - variant undergoing re-assessment, contact laboratory

Literature cited by the submitters: PubMed 20100600; PubMed 18851951; PubMed 16738010.

NC_012920.1(MT-RNR1):m.960del

Gene: MT-RNR1 (mitochondrially encoded 12S RNA; plus strand).
Variant type: Deletion.
Genome position: chrM-955-AC-A.
Identifiers: ClinVar variation 42235 (VCV000042235.4), dbSNP rs111033185, ClinGen allele CA131020.